The following is an entry in ClinVar:

NM_004655.4(AXIN2):c.1743C>T (p.Arg581=)

Gene: AXIN2 (axin 2; minus strand). Cytogenetic location: 17q24.1.
Variant type: single nucleotide variant.
Coding change: c.1743C>T on transcript NM_004655.4 (MANE Select); coding-DNA position 1743, C replaced by T.
Protein change: p.Arg581=; no amino-acid change (arginine 581 retained).
Molecular consequence: synonymous variant. On other transcripts: intron variant (1).
Genome position (GRCh38, 1-based): chr17:65,537,033, G>A on the plus strand (C>T on the coding strand, the complement: AXIN2 is on the minus strand). VCF-style: chr17-65537033-G-A. GRCh37 (hg19) VCF-style: chr17-63533151-G-A.
Other names: c.1743C>T (LRG_296t1); c.1712+291C>T (NM_001363813.1).
Identifiers: ClinVar variation 664822 (VCV000664822.12), dbSNP rs774932064, ClinGen allele CA8718539.

ClinVar aggregate classification (germline): Conflicting classifications of pathogenicity. Review status: criteria provided, conflicting classifications (1 of 4 stars). 4 submissions from 4 submitters: Uncertain significance (1); Benign (1); Likely benign (2). Last evaluated 2025-05-19.

Conditions:
Hereditary cancer-predisposing syndrome. Also called: Tumor predisposition; Hereditary neoplastic syndrome; Neoplastic Syndromes, Hereditary; Hereditary Cancer Syndrome. Identifiers: Orphanet 140162, MedGen C0027672, MeSH D009386, MONDO:0015356.
Oligodontia-cancer predisposition syndrome. Also called: TOOTH AGENESIS-COLORECTAL CANCER SYNDROME. Identifiers: Orphanet 300576, MedGen C1837750, MONDO:0012075, OMIM 608615. Disease mechanism: loss of function.

Allele frequency attached by ClinVar (database versions not stated): gnomAD exomes below 0.00001; ExAC 0.00001; TOPMed 0.00001.
gnomAD v4.1: 2 of 1,609,016 alleles (0.00012%); highest among the groups gnomAD compares: Admixed American, 0.0017%; no homozygotes.

Submissions (4):

Labcorp Genetics (formerly Invitae), Labcorp
Classification: Likely benign for Oligodontia-cancer predisposition syndrome. Last evaluated: 2025-05-19. Review status: criteria provided, single submitter. Criteria: Invitae Variant Classification Sherloc (09022015). Collection method: clinical testing. Allele origin: germline.

Myriad Genetics, Inc.
Classification: Benign for Oligodontia-cancer predisposition syndrome. Last evaluated: 2024-07-08. Review status: criteria provided, single submitter. Criteria: Myriad Autosomal Dominant, Autosomal Recessive and X-Linked Classification Criteria (2023). Collection method: clinical testing. Allele origin: unknown.
Comment: This variant is considered benign. This variant is a silent/synonymous amino acid change and it is not expected to impact splicing.

St. Jude Molecular Pathology, St. Jude Children's Research Hospital
Classification: Uncertain significance. Last evaluated: 2021-06-24. Review status: criteria provided, single submitter. Criteria: St. Jude Assertion Criteria 2020. Collection method: clinical testing. Allele origin: germline.
Comment: The AXIN2 c.1743C>T (p.Arg581=) synonymous change has a maximum subpopulation frequency of 0.0029% in gnomAD v2.1.1 (PM2_Supporting). Algorithms that predict the impact of sequence changes on splicing indicate that this change may activate a cryptic donor splice site (PP3), but to our knowledge these predictions have not been confirmed by RNA studies. To our knowledge, this variant has not been reported in the literature in individuals with oligodontia-cancer predisposition syndrome. In summary, this variant meets criteria to be classified as of uncertain significance based on the ACMG/AMP criteria: PM2_Supporting, PP3.

Ambry Genetics
Classification: Likely benign for Hereditary cancer-predisposing syndrome. Last evaluated: 2020-12-07. Review status: criteria provided, single submitter. Criteria: Ambry Variant Classification Scheme 2023. Collection method: clinical testing. Allele origin: germline.